The following is an entry in ClinVar:

ClinVar aggregate classification (germline): Uncertain significance (1 of 4 stars; one submission).

Conditions:
Inflammatory bowel disease 13 (IBD13). Also called: Inflammatory bowel disease 13, susceptibility to. Identifiers: MedGen C2677101, MONDO:0012831, OMIM 612244.

Allele frequency attached by ClinVar (database versions not stated): gnomAD 0.00002 and 0.00004; TOPMed 0.00004; 1000 Genomes Project 30x 0.00031; 1000 Genomes Project 0.00040.

Submission:

Baylor Genetics
Classification: Uncertain significance for Inflammatory bowel disease 13. Last evaluated: 2018-06-11. Review status: criteria provided, single submitter. Criteria: ACMG Guidelines, 2015. Collection method: clinical testing. Allele origin: maternal. Affected: yes.
Comment: This variant was determined to be of uncertain significance according to ACMG Guidelines, 2015 [PMID:25741868].

NM_001348946.2(ABCB1):c.470G>A (p.Arg157Gln)

Gene: ABCB1 (ATP binding cassette subfamily B member 1; minus strand). Cytogenetic location: 7q21.12.
Variant type: single nucleotide variant.
Coding change: c.470G>A on transcript NM_001348946.2 (MANE Select); coding-DNA position 470, G replaced by A.
Protein change: p.Arg157Gln; replaces arginine 157 with glutamine.
Molecular consequence: missense variant.
Genome position (GRCh38, 1-based): chr7:87,566,845, C>T on the plus strand (G>A on the coding strand, the complement: ABCB1 is on the minus strand). VCF-style: chr7-87566845-C-T. GRCh37 (hg19) VCF-style: chr7-87196161-C-T.
Other names: c.470G>A, p.Arg157Gln (NM_000927.5, NM_001348944.2); c.680G>A, p.Arg227Gln (NM_001348945.2); short protein forms R157Q, R227Q.
Identifiers: ClinVar variation 1032492 (VCV001032492.1), dbSNP rs202002337, ClinGen allele CA4328584.
Genomic context (GRCh38, chr7:87,566,845, plus strand): 5'-TCTGTAAGTCGGGTGTTAAGCTCCCCAACATCGTGCACATCAAACCAGCCTATCTCCTGT[C>T]GCATTATAGCATGAAAAAACTGTTTTCTAATTTTGTGTATTTGTCTTCCAGCTGCCAGGC-3'
Protein context (NP_001335875.1, residues 147-167): IRKQFFHAIM[Arg157Gln]QEIGWFDVHD